The following is an entry in ClinVar:

ClinVar aggregate classification (germline): Uncertain significance (1 of 4 stars; one submission).

Conditions:
Catecholaminergic polymorphic ventricular tachycardia (CVPT). Also called: Catecholamine-induced polymorphic ventricular tachycardia. Identifiers: Orphanet 3286, MedGen C5574922, MONDO:0017990.

Submission:

All of Us Research Program, National Institutes of Health
Classification: Uncertain significance for Catecholaminergic polymorphic ventricular tachycardia. Last evaluated: 2023-11-02. Review status: criteria provided, single submitter. Criteria: ACMG Guidelines, 2015. Collection method: clinical testing. Allele origin: germline. Inheritance: Autosomal dominant inheritance. Observed: 1 variant allele, 1 heterozygote.
Comment: This missense variant replaces lysine with glutamic acid at codon 2185 of the RYR2 protein. Computational prediction is inconclusive regarding the impact of this variant on protein structure and function (internally defined REVEL score threshold 0.5 < inconclusive < 0.7, PMID: 27666373). To our knowledge, functional studies have not been reported for this variant. This variant has not been reported in individuals affected with RYR2-related disorders in the literature. This variant has not been identified in the general population by the Genome Aggregation Database (gnomAD). The available evidence is insufficient to determine the role of this variant in disease conclusively. Therefore, this variant is classified as a Variant of Uncertain Significance.

This study involves interpretation of variants in research participants for the purpose of population health screening. Participant phenotype was not available at the time of variant classification. Additional details can be found in publication PMID: 35346344, PMCID: PMC8962531

NM_001035.3(RYR2):c.6553A>G (p.Lys2185Glu)

Gene: RYR2 (ryanodine receptor 2; plus strand). Cytogenetic location: 1q43.
Variant type: single nucleotide variant.
Coding change: c.6553A>G on transcript NM_001035.3 (MANE Select); coding-DNA position 6553, A replaced by G.
Protein change: p.Lys2185Glu; replaces lysine 2185 with glutamic acid.
Molecular consequence: missense variant.
Genome position (GRCh38, 1-based): chr1:237,631,539, A>G. VCF-style: chr1-237631539-A-G. GRCh37 (hg19) VCF-style: chr1-237794839-A-G.
Other names: short protein forms K2185E.
Identifiers: ClinVar variation 3074297 (VCV003074297.1), dbSNP rs2546907564, ClinGen allele CA345413387.